The following is an entry in ClinVar:

NM_145059.3(FCSK):c.2222G>A (p.Arg741Gln)

Gene: FCSK (fucose kinase; plus strand). Cytogenetic location: 16q22.1.
Variant type: single nucleotide variant.
Coding change: c.2222G>A on transcript NM_145059.3 (MANE Select); coding-DNA position 2222, G replaced by A.
Protein change: p.Arg741Gln; replaces arginine 741 with glutamine.
Molecular consequence: missense variant.
Genome position (GRCh38, 1-based): chr16:70,474,856, G>A. VCF-style: chr16-70474856-G-A. GRCh37 (hg19) VCF-style: chr16-70508759-G-A.
Other names: c.2222G>A (NM_145059.2); short protein forms R741Q.
Identifiers: ClinVar variation 2175410 (VCV002175410.5), dbSNP rs375377209, ClinGen allele CA8143526.

ClinVar aggregate classification (germline): Uncertain significance. Review status: criteria provided, multiple submitters, no conflicts (2 of 4 stars). 2 submissions from 2 submitters: Uncertain significance (2). Last evaluated 2024-11-24.

Allele frequency attached by ClinVar (database versions not stated): gnomAD exomes 0.00001; ExAC 0.00004; gnomAD 0.00007; ESP Exome Variant Server 0.00016; TOPMed 0.00017.
gnomAD v4.1: 27 of 1,596,374 alleles (0.0017%); highest among the groups gnomAD compares: African/African-American, 0.024%; no homozygotes.

Submissions (2):

Ambry Genetics
Classification: Uncertain significance. Last evaluated: 2024-11-24. Review status: criteria provided, single submitter. Criteria: Ambry Variant Classification Scheme 2023. Collection method: clinical testing. Allele origin: germline.

Labcorp Genetics (formerly Invitae), Labcorp
Classification: Uncertain significance. Last evaluated: 2023-01-20. Review status: criteria provided, single submitter. Criteria: Invitae Variant Classification Sherloc (09022015). Collection method: clinical testing. Allele origin: germline.
Comment: In summary, the available evidence is currently insufficient to determine the role of this variant in disease. Therefore, it has been classified as a Variant of Uncertain Significance. Algorithms developed to predict the effect of missense changes on protein structure and function output the following: SIFT: "Tolerated"; PolyPhen-2: "Benign"; Align-GVGD: "Class C0". The glutamine amino acid residue is found in multiple mammalian species, which suggests that this missense change does not adversely affect protein function. This variant has not been reported in the literature in individuals affected with FUK-related conditions. This variant is present in population databases (rs375377209, gnomAD 0.04%). This sequence change replaces arginine, which is basic and polar, with glutamine, which is neutral and polar, at codon 741 of the FUK protein (p.Arg741Gln).